The following is an entry in ClinVar:

ClinVar aggregate classification (germline): Uncertain significance. Review status: criteria provided, multiple submitters, no conflicts (2 of 4 stars). 2 submissions from 2 submitters: Uncertain significance (2). Last evaluated 2024-11-16.

Conditions:
Hereditary cancer-predisposing syndrome. Also called: Hereditary Cancer Syndrome; Hereditary neoplastic syndrome; Neoplastic Syndromes, Hereditary; Tumor predisposition. Identifiers: Orphanet 140162, MedGen C0027672, MeSH D009386, MONDO:0015356.

Submissions (2):

Ambry Genetics
Classification: Uncertain significance for Hereditary cancer-predisposing syndrome. Last evaluated: 2024-11-16. Review status: criteria provided, single submitter. Criteria: Ambry Variant Classification Scheme 2023. Collection method: clinical testing. Allele origin: germline.
Comment: The p.T674A variant (also known as c.2020A>G), located in coding exon 13 of the RAD50 gene, results from an A to G substitution at nucleotide position 2020. The threonine at codon 674 is replaced by alanine, an amino acid with similar properties. This amino acid position is conserved. In addition, this alteration is predicted to be tolerated by in silico analysis. Based on the available evidence, the clinical significance of this variant remains unclear.

Labcorp Genetics (formerly Invitae), Labcorp
Classification: Uncertain significance for Hereditary cancer-predisposing syndrome. Last evaluated: 2016-10-12. Review status: criteria provided, single submitter. Criteria: Invitae Variant Classification Sherloc (09022015). Collection method: clinical testing. Allele origin: germline.
Comment: In summary, this variant is a novel missense change that is not predicted to affect protein function. There is no indication that it causes disease, but the available evidence is currently insufficient to prove that conclusively. Therefore, it has been classified as a Variant of Uncertain Significance. Algorithms developed to predict the effect of missense changes on protein structure and function output the following: (SIFT: "Deleterious"; PolyPhen-2: "Benign"; Align-GVGD: "Class C0"). The alanine amino acid residue is found in multiple mammalian species, suggesting that this missense change does not adversely affect protein function. These predictions have not been confirmed by published functional studies. This variant is not present in population databases (ExAC no frequency) and has not been reported in the literature in individuals with a RAD50-related disease. This sequence change replaces threonine with alanine at codon 674 of the RAD50 protein (p.Thr674Ala). The threonine residue is moderately conserved and there is a small physicochemical difference between threonine and alanine.

NM_005732.4(RAD50):c.2020A>G (p.Thr674Ala)

Gene: RAD50 (RAD50 double strand break repair protein; plus strand). Cytogenetic location: 5q31.1.
Variant type: single nucleotide variant.
Coding change: c.2020A>G on transcript NM_005732.4 (MANE Select); coding-DNA position 2020, A replaced by G.
Protein change: p.Thr674Ala; replaces threonine 674 with alanine.
Molecular consequence: missense variant.
Genome position (GRCh38, 1-based): chr5:132,595,623, A>G. VCF-style: chr5-132595623-A-G. GRCh37 (hg19) VCF-style: chr5-131931315-A-G.
Other names: short protein forms T674A.
Identifiers: ClinVar variation 408376 (VCV000408376.10), dbSNP rs1060501955, ClinGen allele CA16611834.